The following is an entry in ClinVar:

ClinVar aggregate classification (germline): Uncertain significance (1 of 4 stars; one submission).

Conditions:
Primary ciliary dyskinesia. Also called: Ciliary dyskinesia. Identifiers: Orphanet 244, MedGen C0008780, MONDO:0016575, HP:0012265.

gnomAD v4.1: 1 of 1,614,152 alleles (0.000062%); highest among the groups gnomAD compares: African/African-American, 0.0013%; no homozygotes.

Submission:

Labcorp Genetics (formerly Invitae), Labcorp
Classification: Uncertain significance for Primary ciliary dyskinesia. Last evaluated: 2022-04-10. Review status: criteria provided, single submitter. Criteria: Invitae Variant Classification Sherloc (09022015). Collection method: clinical testing. Allele origin: germline.
Comment: In summary, the available evidence is currently insufficient to determine the role of this variant in disease. Therefore, it has been classified as a Variant of Uncertain Significance. Algorithms developed to predict the effect of sequence changes on RNA splicing suggest that this variant may disrupt the consensus splice site. This sequence change replaces arginine, which is basic and polar, with serine, which is neutral and polar, at codon 375 of the DRC1 protein (p.Arg375Ser). This variant is present in population databases (no rsID available, gnomAD 0.007%). This variant has not been reported in the literature in individuals affected with DRC1-related conditions. Algorithms developed to predict the effect of missense changes on protein structure and function (SIFT, PolyPhen-2, Align-GVGD) all suggest that this variant is likely to be disruptive.

NM_145038.5(DRC1):c.1123C>A (p.Arg375Ser)

Gene: DRC1 (dynein regulatory complex subunit 1; plus strand). Cytogenetic location: 2p23.3.
Variant type: single nucleotide variant.
Coding change: c.1123C>A on transcript NM_145038.5 (MANE Select); coding-DNA position 1123, C replaced by A.
Protein change: p.Arg375Ser; replaces arginine 375 with serine.
Molecular consequence: missense variant.
Genome position (GRCh38, 1-based): chr2:26,444,316, C>A. VCF-style: chr2-26444316-C-A. GRCh37 (hg19) VCF-style: chr2-26667184-C-A.
Other names: short protein forms R375S.
Identifiers: ClinVar variation 2121908 (VCV002121908.4), dbSNP rs145305515, ClinGen allele CA346109544.